The following is an entry in ClinVar:

ClinVar aggregate classification (germline): Uncertain significance (1 of 4 stars; one submission).

Conditions:
Hereditary cancer-predisposing syndrome. Also called: Neoplastic Syndromes, Hereditary; Tumor predisposition; Hereditary Cancer Syndrome; Hereditary neoplastic syndrome. Identifiers: Orphanet 140162, MedGen C0027672, MeSH D009386, MONDO:0015356.

Submission:

Ambry Genetics
Classification: Uncertain significance for Hereditary cancer-predisposing syndrome. Last evaluated: 2025-11-03. Review status: criteria provided, single submitter. Criteria: Ambry Variant Classification Scheme 2023. Collection method: clinical testing. Allele origin: germline.
Comment: The p.S926F variant (also known as c.2777C>T), located in coding exon 15 of the APC gene, results from a C to T substitution at nucleotide position 2777. The serine at codon 926 is replaced by phenylalanine, an amino acid with highly dissimilar properties. This amino acid position is conserved. In addition, in silico predictors for this gene do not accurately predict pathogenicity. Based on the available evidence, the clinical significance of this variant remains unclear.

NM_000038.6(APC):c.2777C>T (p.Ser926Phe)

Gene: APC (APC regulator of Wnt signaling pathway; plus strand). Cytogenetic location: 5q22.2.
Variant type: single nucleotide variant.
Coding change: c.2777C>T on transcript NM_000038.6 (MANE Select); coding-DNA position 2777, C replaced by T.
Protein change: p.Ser926Phe; replaces serine 926 with phenylalanine.
Molecular consequence: missense variant. On other transcripts: non-coding transcript variant (2).
Genome position (GRCh38, 1-based): chr5:112,838,371, C>T. VCF-style: chr5-112838371-C-T. GRCh37 (hg19) VCF-style: chr5-112174068-C-T.
Other names: c.2777C>T, p.Ser926Phe (NM_001127510.3, NM_001354895.2, NM_001407450.1); c.2723C>T, p.Ser908Phe (NM_001127511.3); c.2831C>T, p.Ser944Phe (NM_001354896.2, NM_001407447.1, NM_001407448.1 and 1 more transcripts); c.2807C>T, p.Ser936Phe (NM_001354897.2); c.2702C>T, p.Ser901Phe (NM_001354898.2); c.2693C>T, p.Ser898Phe (NM_001354899.2); c.2654C>T, p.Ser885Phe (NM_001354900.2); c.2600C>T, p.Ser867Phe (NM_001354901.2, NM_001407453.1); and 11 more; short protein forms S643F, S797F, S825F, S835F, S898F, S916F, S954F, S542F.
Identifiers: ClinVar variation 4588257 (VCV004588257.1).
Genomic context (GRCh38, chr5:112,838,371, plus strand): 5'-CTGGGTCTACCACTGAATTACATTGTGTGACAGATGAGAGAAATGCACTTAGAAGAAGCT[C>T]TGCTGCCCATACACATTCAAACACTTACAATTTCACTAAGTCGGAAAATTCAAATAGGAC-3'
Protein context (NP_000029.2, residues 916-936): TDERNALRRS[Ser926Phe]AAHTHSNTYN